The following is an entry in ClinVar:

NM_052947.4(ALPK2):c.1901G>A (p.Gly634Asp)

Gene: ALPK2 (alpha kinase 2; minus strand). Cytogenetic location: 18q21.31.
Variant type: single nucleotide variant.
Coding change: c.1901G>A on transcript NM_052947.4 (MANE Select); coding-DNA position 1901, G replaced by A.
Protein change: p.Gly634Asp; replaces glycine 634 with aspartic acid.
Molecular consequence: missense variant.
Genome position (GRCh38, 1-based): chr18:58,578,875, C>T on the plus strand (G>A on the coding strand, the complement: ALPK2 is on the minus strand). VCF-style: chr18-58578875-C-T. GRCh37 (hg19) VCF-style: chr18-56246107-C-T.
Other names: short protein forms G634D.
Identifiers: ClinVar variation 2450771 (VCV002450771.2), dbSNP rs944019467, ClinGen allele CA402559571.

ClinVar aggregate classification (germline): Uncertain significance (1 of 4 stars; one submission).

gnomAD v4.1: 5 of 1,614,128 alleles (0.00031%); highest among the groups gnomAD compares: Non-Finnish European, 0.00042%; no homozygotes.

Submission:

Ambry Genetics
Classification: Uncertain significance. Last evaluated: 2023-02-05. Review status: criteria provided, single submitter. Criteria: Ambry Variant Classification Scheme 2023. Collection method: clinical testing. Allele origin: germline.
Comment: The p.G634D variant (also known as c.1901G>A), located in coding exon 3 of the ALPK2 gene, results from a G to A substitution at nucleotide position 1901. The glycine at codon 634 is replaced by aspartic acid, an amino acid with similar properties. This amino acid position is conserved. In addition, this alteration is predicted to be tolerated by in silico analysis. Since supporting evidence is limited at this time, the clinical significance of this alteration remains unclear.